The following is an entry in ClinVar:

NM_000540.3(RYR1):c.6313T>C (p.Trp2105Arg)

Gene: RYR1 (ryanodine receptor 1; plus strand). Cytogenetic location: 19q13.2.
Variant type: single nucleotide variant.
Coding change: c.6313T>C on transcript NM_000540.3 (MANE Select); coding-DNA position 6313, T replaced by C.
Protein change: p.Trp2105Arg; replaces tryptophan 2105 with arginine.
Molecular consequence: missense variant.
Genome position (GRCh38, 1-based): chr19:38,494,390, T>C. VCF-style: chr19-38494390-T-C. GRCh37 (hg19) VCF-style: chr19-38985030-T-C.
Other names: c.6313T>C, p.Trp2105Arg (NM_001042723.2); short protein forms W2105R.
Identifiers: ClinVar variation 3668443 (VCV003668443.2).

ClinVar aggregate classification (germline): Uncertain significance. Review status: criteria provided, multiple submitters, no conflicts (2 of 4 stars). 2 submissions from 2 submitters: Uncertain significance (2). Last evaluated 2024-08-29.

Conditions:
RYR1-related disorder. Also called: RYR1-related condition; RYR1-related disorders. Identifiers: MedGen CN239331.

gnomAD v4.1: 1 of 1,611,664 alleles (0.000062%); highest among the groups gnomAD compares: East Asian, 0.0022%; no homozygotes.

Submissions (2):

Labcorp Genetics (formerly Invitae), Labcorp
Classification: Uncertain significance for RYR1-related disorder. Last evaluated: 2024-08-29. Review status: criteria provided, single submitter. Criteria: Invitae Variant Classification Sherloc (09022015). Collection method: clinical testing. Allele origin: germline.
Comment: This sequence change replaces tryptophan, which is neutral and slightly polar, with arginine, which is basic and polar, at codon 2105 of the RYR1 protein (p.Trp2105Arg). This variant is present in population databases (no rsID available, gnomAD 0.06%). This variant has not been reported in the literature in individuals affected with RYR1-related conditions. Invitae Evidence Modeling of protein sequence and biophysical properties (such as structural, functional, and spatial information, amino acid conservation, physicochemical variation, residue mobility, and thermodynamic stability) indicates that this missense variant is expected to disrupt RYR1 protein function with a positive predictive value of 95%. In summary, the available evidence is currently insufficient to determine the role of this variant in disease. Therefore, it has been classified as a Variant of Uncertain Significance.

Blueprint Genetics
Classification: Uncertain significance. Last evaluated: 2021-10-19. Review status: criteria provided, single submitter. Criteria: ACMG Guidelines, 2015. Collection method: clinical testing. Allele origin: germline.